The following is an entry in ClinVar:

NM_031935.3(HMCN1):c.5190G>T (p.Leu1730Phe)

Gene: HMCN1 (hemicentin 1; plus strand). Cytogenetic location: 1q31.1.
Variant type: single nucleotide variant.
Coding change: c.5190G>T on transcript NM_031935.3 (MANE Select); coding-DNA position 5190, G replaced by T.
Protein change: p.Leu1730Phe; replaces leucine 1730 with phenylalanine.
Molecular consequence: missense variant.
Genome position (GRCh38, 1-based): chr1:186,016,238, G>T. VCF-style: chr1-186016238-G-T. GRCh37 (hg19) VCF-style: chr1-185985370-G-T.
Other names: short protein forms L1730F.
Identifiers: ClinVar variation 1385019 (VCV001385019.6), dbSNP rs140707354, ClinGen allele CA1292193.
Genomic context (GRCh38, chr1:186,016,238, plus strand): 5'-CATATGCGTGGCTACCAGTGTGGCAGGAGAAAAGGAAATCAAATATGAAGTTGATGTCTT[G>T]GGTAAATAAGGATGCCACTGCCTGGGTTCTCAGATTCATAGCAAAACCTGATTAGTTTGT-3'
Protein context (NP_114141.2, residues 1720-1740): EKEIKYEVDV[Leu1730Phe]VPPAIEGGDE

ClinVar aggregate classification (germline): Uncertain significance (1 of 4 stars; one submission).

Allele frequency attached by ClinVar (database versions not stated): ExAC 0.00001; ESP Exome Variant Server 0.00015; gnomAD exomes below 0.00001 and 0.00001; TOPMed 0.00003.
gnomAD v4.1: 8 of 1,611,254 alleles (0.0005%); highest among the groups gnomAD compares: African/African-American, 0.0094%; no homozygotes.

Submission:

Labcorp Genetics (formerly Invitae), Labcorp
Classification: Uncertain significance. Last evaluated: 2025-05-29. Review status: criteria provided, single submitter. Criteria: Invitae Variant Classification Sherloc (09022015). Collection method: clinical testing. Allele origin: germline.
Comment: This sequence change replaces leucine, which is neutral and non-polar, with phenylalanine, which is neutral and non-polar, at codon 1730 of the HMCN1 protein (p.Leu1730Phe). This variant is present in population databases (rs140707354, gnomAD 0.008%). This variant has not been reported in the literature in individuals affected with HMCN1-related conditions. ClinVar contains an entry for this variant (Variation ID: 1385019). An algorithm developed to predict the effect of missense changes on protein structure and function (PolyPhen-2) suggests that this variant is likely to be disruptive. In summary, the available evidence is currently insufficient to determine the role of this variant in disease. Therefore, it has been classified as a Variant of Uncertain Significance.